The following is an entry in ClinVar:

NM_004006.3(DMD):c.7351A>G (p.Thr2451Ala)

Gene: DMD (dystrophin; minus strand). Cytogenetic location: Xp21.1.
Variant type: single nucleotide variant.
Coding change: c.7351A>G on transcript NM_004006.3 (MANE Select); coding-DNA position 7351, A replaced by G.
Protein change: p.Thr2451Ala; replaces threonine 2451 with alanine.
Molecular consequence: missense variant. On other transcripts: 5 prime UTR variant (5).
Genome position (GRCh38, 1-based): chrX:31,774,151, T>C on the plus strand (A>G on the coding strand, the complement: DMD is on the minus strand). VCF-style: chrX-31774151-T-C. GRCh37 (hg19) VCF-style: chrX-31792268-T-C.
Other names: c.7327A>G, p.Thr2443Ala (NM_000109.4); c.7339A>G, p.Thr2447Ala (NM_004009.3); c.6982A>G, p.Thr2328Ala (NM_004010.3); c.3328A>G, p.Thr1110Ala (NM_004011.4); c.3319A>G, p.Thr1107Ala (NM_004012.4); c.-30A>G (NM_004013.3, NM_004020.4, NM_004021.3 and 2 more transcripts); short protein forms T2451A, T1107A, T2328A, T2447A, T1110A, T2443A.
Identifiers: ClinVar variation 1900113 (VCV001900113.5), dbSNP rs2530842154, ClinGen allele CA412659118.

ClinVar aggregate classification (germline): Uncertain significance (1 of 4 stars; one submission).

Conditions:
Duchenne muscular dystrophy (DMD). Also called: MUSCULAR DYSTROPHY, PSEUDOHYPERTROPHIC PROGRESSIVE, DUCHENNE TYPE; Duchenne Muscular Dystrophy (DMD). Identifiers: Orphanet 98896, MedGen C0013264, MONDO:0010679, OMIM 310200.

Submission:

Labcorp Genetics (formerly Invitae), Labcorp
Classification: Uncertain significance for Duchenne muscular dystrophy. Last evaluated: 2023-03-08. Review status: criteria provided, single submitter. Criteria: Invitae Variant Classification Sherloc (09022015). Collection method: clinical testing. Allele origin: germline.
Comment: In summary, the available evidence is currently insufficient to determine the role of this variant in disease. Therefore, it has been classified as a Variant of Uncertain Significance. Advanced modeling of protein sequence and biophysical properties (such as structural, functional, and spatial information, amino acid conservation, physicochemical variation, residue mobility, and thermodynamic stability) performed at Invitae indicates that this missense variant is not expected to disrupt DMD protein function. ClinVar contains an entry for this variant (Variation ID: 1900113). This variant has not been reported in the literature in individuals affected with DMD-related conditions. This variant is not present in population databases (gnomAD no frequency). This sequence change replaces threonine, which is neutral and polar, with alanine, which is neutral and non-polar, at codon 2451 of the DMD protein (p.Thr2451Ala).